The following is an entry in ClinVar:

NM_000044.6(AR):c.2504A>G (p.Tyr835Cys)

Gene: AR (androgen receptor; plus strand). Cytogenetic location: Xq12.
Variant type: single nucleotide variant.
Coding change: c.2504A>G on transcript NM_000044.6 (MANE Select); coding-DNA position 2504, A replaced by G.
Protein change: p.Tyr835Cys; replaces tyrosine 835 with cysteine.
Molecular consequence: missense variant.
Genome position (GRCh38, 1-based): chrX:67,722,881, A>G. VCF-style: chrX-67722881-A-G. GRCh37 (hg19) VCF-style: chrX-66942723-A-G.
Other names: c.908A>G, p.Tyr303Cys (NM_001011645.3); short protein forms Y835C, Y303C.
Identifiers: ClinVar variation 381644 (VCV000381644.4), dbSNP rs1057521122, ClinGen allele CA16608548.

ClinVar aggregate classification (germline): Conflicting classifications of pathogenicity. Review status: criteria provided, conflicting classifications (1 of 4 stars). 2 submissions from 2 submitters: Likely pathogenic (1); Uncertain significance (1). Last evaluated 2024-08-28.

Conditions:
Androgen resistance syndrome (AIS). Also called: ANDROGEN RECEPTOR DEFICIENCY; DIHYDROTESTOSTERONE RECEPTOR DEFICIENCY; Androgen insensitivity syndrome; TESTICULAR FEMINIZATION SYNDROME; Androgen insensitivity; Androgen insensitivity syndrome due to coactivator deficiency. Identifiers: Orphanet 754, Orphanet 99429, MedGen C0039585, MONDO:0019154, OMIM 300068. Disease mechanism: loss of function.
Kennedy disease (SMAX1). Also called: SPINAL AND BULBAR MUSCULAR ATROPHY, X-LINKED 1; Spinal and Bulbar Muscular Atrophy; KENNEDY SPINAL AND BULBAR MUSCULAR ATROPHY. Identifiers: Orphanet 481, MedGen C1839259, MONDO:0010735, OMIM 313200.

Submissions (2):

Labcorp Genetics (formerly Invitae), Labcorp
Classification: Uncertain significance for Kennedy disease; Androgen resistance syndrome. Last evaluated: 2024-08-28. Review status: criteria provided, single submitter. Criteria: Invitae Variant Classification Sherloc (09022015). Collection method: clinical testing. Allele origin: germline.
Comment: This sequence change replaces tyrosine, which is neutral and polar, with cysteine, which is neutral and slightly polar, at codon 835 of the AR protein (p.Tyr835Cys). This variant is not present in population databases (gnomAD no frequency). This missense change has been observed in individual(s) with clinical features of AR-related conditions (PMID: 1430233). ClinVar contains an entry for this variant (Variation ID: 381644). Invitae Evidence Modeling of protein sequence and biophysical properties (such as structural, functional, and spatial information, amino acid conservation, physicochemical variation, residue mobility, and thermodynamic stability) has been performed for this missense variant. However, the output from this modeling did not meet the statistical confidence thresholds required to predict the impact of this variant on AR protein function. In summary, the available evidence is currently insufficient to determine the role of this variant in disease. Therefore, it has been classified as a Variant of Uncertain Significance.

GeneDx
Classification: Likely pathogenic. Last evaluated: 2016-12-27. Review status: criteria provided, single submitter. Criteria: GeneDx Variant Classification (06012015). Collection method: clinical testing. Allele origin: germline. Affected: yes.
Comment: The Y835C variant, described as Y832C, was reported in an individual with androgen resistance caused by an amnio acid substitution in the ligand binding domain in AR (McPhaul et al, 1992). It was not observed in approximately 6,500 individuals of European and African American ancestry in the NHLBI Exome Sequencing Project, indicating it is not a common benign variant in these populations. Y835C is a non-conservative amino acid substitution, which is likely to impact secondary protein structure as these residues differ in polarity, charge, size and/or other properties. This substitution occurs at a position within the ligand binding domain that is conserved across species and in silico analysis predicts this variant is probably damaging to the protein structure/function. Missense variants in nearby residues (L831V/F, R832L/Q, L839V/F, R841G/C/S) have been reported in the Human Gene Mutation Database in association with androgen insensitivity syndrome (Stenson et al., 2014), supporting the functional importance of this region of the protein. As the AR gene has a low rate of benign missense variants and missense variants are a common mechanism of disease, this variant is likely pathogenic; however, the possibility that it is benign cannot be excluded.

Literature cited by the submitters: PubMed 1430233 (cited by Labcorp Genetics (formerly Invitae), Labcorp).